The following is an entry in ClinVar:

ClinVar aggregate classification (germline): Pathogenic/Likely pathogenic. Review status: criteria provided, multiple submitters, no conflicts (2 of 4 stars). 5 submissions from 5 submitters: Pathogenic (2); Likely pathogenic (3). Last evaluated 2025-07-29.

Conditions:
Neuronal ceroid lipofuscinosis. Also called: Neuronal Ceroid Lipofuscinoses. Identifiers: Orphanet 216, Orphanet 79263, MedGen C0027877, MONDO:0016295. Disease mechanism: loss of function.
Neuronal ceroid lipofuscinosis 5 (CLN5). Also called: CEROID LIPOFUSCINOSIS, NEURONAL, 5, VARIABLE AGE AT ONSET; Neuronal ceroid lipofuscinosis Finnish variant; NEURONAL CEROID LIPOFUSCINOSIS, LATE INFANTILE, FINNISH VARIANT; CLN5-Related Neuronal Ceroid-Lipofuscinosis. Identifiers: Orphanet 168491, Orphanet 228360, MedGen C1850442, MONDO:0009745, OMIM 256731.

Allele frequency attached by ClinVar (database versions not stated): gnomAD exomes below 0.00001; TOPMed below 0.00001.

Submissions (5):

GeneDx
Classification: Likely pathogenic. Last evaluated: 2025-07-29. Review status: criteria provided, single submitter. Criteria: GeneDx Variant Classification Process June 2021. Collection method: clinical testing. Allele origin: germline. Affected: yes.
Comment: Nonsense variant predicted to result in protein truncation, as the last 161 amino acids are lost, and other loss-of-function variants have been reported downstream in HGMD; Not observed at significant frequency in large population cohorts (gnomAD); This variant is associated with the following publications: (PMID: 32983231, 30919163)

Myriad Genetics, Inc.
Classification: Pathogenic for Neuronal ceroid lipofuscinosis 5. Last evaluated: 2025-03-04. Review status: criteria provided, single submitter. Criteria: Myriad Autosomal Dominant, Autosomal Recessive and X-Linked Classification Criteria (2023). Collection method: clinical testing. Allele origin: unknown.
Comment: NM_006493.2(CLN5):c.741G>A(W247*) is a nonsense variant classified as pathogenic in the context of CLN5-related neuronal ceroid lipofuscinosis. W247* has been observed in a case with relevant disease (PMID: 30919163). Relevant functional assessments of this variant are not available in the literature. W247* has not been observed in referenced population frequency databases. In summary, NM_006493.2(CLN5):c.741G>A(W247*) is a nonsense variant in a gene where loss of function is a known mechanism of disease, is predicted to disrupt protein function, and has been observed more frequently in cases with the relevant disease than in healthy populations. Please note: this variant was assessed in the context of healthy population screening.

Fulgent Genetics
Classification: Likely pathogenic for Neuronal ceroid lipofuscinosis 5. Last evaluated: 2024-06-13. Review status: criteria provided, single submitter. Criteria: ACMG Guidelines, 2015. Collection method: clinical testing. Allele origin: germline.

Natera, Inc.
Classification: Likely pathogenic for Neuronal ceroid lipofuscinosis. Last evaluated: 2024-05-24. Review status: criteria provided, single submitter. Criteria: Natera Variant Classification Schema (03/2026). Collection method: clinical testing. Allele origin: germline.
Comment: The c.741G>A variant in CLN5 is a nonsense variant predicted to introduce a stop codon at amino acid 247. This variant is expected to result in nonsense mediated decay, truncation, or a dysfunctional protein product. This variant is rare in the general population with a frequency below the threshold expected for the associated phenotype(s). This variant has been observed in one or more individuals affected with the associated recessive disease, as either homozygous or compound heterozygous with a second variant (PMID: 30919163). Given the available evidence, this variant is classified as Likely Pathogenic.

Labcorp Genetics (formerly Invitae), Labcorp
Classification: Pathogenic for Neuronal ceroid lipofuscinosis. Last evaluated: 2023-05-23. Review status: criteria provided, single submitter. Criteria: Invitae Variant Classification Sherloc (09022015). Collection method: clinical testing. Allele origin: germline.
Comment: ClinVar contains an entry for this variant (Variation ID: 1691798). For these reasons, this variant has been classified as Pathogenic. This premature translational stop signal has been observed in individual(s) with neuronal ceroid lipofuscinosis (PMID: 30919163). This variant is not present in population databases (gnomAD no frequency). This sequence change creates a premature translational stop signal (p.Trp247*) in the CLN5 gene. It is expected to result in an absent or disrupted protein product. Loss-of-function variants in CLN5 are known to be pathogenic (PMID: 20157158).

Literature cited by the submitters: PubMed 30919163 (cited by 3 submitters); PubMed 20157158 (cited by Labcorp Genetics (formerly Invitae), Labcorp).

NM_006493.4(CLN5):c.594G>A (p.Trp198Ter)

Gene: CLN5 (CLN5 lysosomal BMP synthase; plus strand). Cytogenetic location: 13q22.3.
Variant type: single nucleotide variant.
Coding change: c.594G>A on transcript NM_006493.4 (MANE Select); coding-DNA position 594, G replaced by A.
Protein change: p.Trp198Ter; replaces tryptophan 198 with a stop codon.
Genome position (GRCh38, 1-based): chr13:77,000,486, G>A. VCF-style: chr13-77000486-G-A. GRCh37 (hg19) VCF-style: chr13-77574621-G-A.
Other names: c.*43G>A (NM_001366624.2); short protein forms W198*.
Identifiers: ClinVar variation 1691798 (VCV001691798.9), dbSNP rs2034339711, ClinGen allele CA388311287.